The following is an entry in ClinVar:

NM_001004690.1(OR2M5):c.861C>T (p.Pro287=)

Gene: OR2M5 (olfactory receptor family 2 subfamily M member 5; plus strand). Cytogenetic location: 1q44.
Variant type: single nucleotide variant.
Coding change: c.861C>T on transcript NM_001004690.1 (MANE Select); coding-DNA position 861, C replaced by T.
Protein change: p.Pro287=; no amino-acid change (proline 287 retained).
Molecular consequence: synonymous variant.
Genome position (GRCh38, 1-based): chr1:248,146,008, C>T. VCF-style: chr1-248146008-C-T. GRCh37 (hg19) VCF-style: chr1-248309310-C-T.
Identifiers: ClinVar variation 2640252 (VCV002640252.24), dbSNP rs150067628, ClinGen allele CA1501245.
Genomic context (GRCh38, chr1:248,146,008, plus strand): 5'-CCCTATGCAGGACAAGCTGGTGTCTGTATTCTACACCATCCTCACTCCCATGCTGAATCC[C>T]CTCATCTACAGCCTCCGCAACAAGGAGGTGACCAGAGCACTCAGGAAAGTGTTAGGAAAG-3'
Protein context (NP_001004690.1, residues 277-297): FYTILTPMLN[Pro287=]LIYSLRNKEV

ClinVar aggregate classification (germline): Likely benign (1 of 4 stars; one submission).

Allele frequency attached by ClinVar (database versions not stated): gnomAD exomes 0.00035; ExAC 0.00102; gnomAD 0.00269; TOPMed 0.00302; ESP Exome Variant Server 0.00369; 1000 Genomes Project 30x 0.00390; 1000 Genomes Project 0.00399.

Submission:

CeGaT Center for Human Genetics Tuebingen
Classification: Likely benign. Last evaluated: 2023-02-01. Review status: criteria provided, single submitter. Criteria: CeGaT Center For Human Genetics Tuebingen Variant Classification Criteria Version 2. Collection method: clinical testing. Allele origin: germline. Affected: yes. Observed: 1 variant allele.
Comment: OR2M5: BP4, BP7